The following is an entry in ClinVar:

ClinVar aggregate classification (germline): Uncertain significance. Review status: criteria provided, multiple submitters, no conflicts (2 of 4 stars). 2 submissions from 2 submitters: Uncertain significance (2). Last evaluated 2025-12-03.

Conditions:
Gingival disorder. Also called: Gingival disease. Identifiers: MedGen C0017563, MONDO:0002021.

Allele frequency attached by ClinVar (database versions not stated): ExAC 0.00001; gnomAD exomes 0.00002; TOPMed 0.00002; gnomAD 0.00005 and 0.00006.

Submissions (2):

Labcorp Genetics (formerly Invitae), Labcorp
Classification: Uncertain significance for Gingival disorder. Last evaluated: 2025-12-03. Review status: criteria provided, single submitter. Criteria: Invitae Variant Classification Sherloc (09022015). Collection method: clinical testing. Allele origin: germline.
Comment: This sequence change replaces methionine, which is neutral and non-polar, with threonine, which is neutral and polar, at codon 275 of the FPR1 protein (p.Met275Thr). This variant is present in population databases (rs746593681, gnomAD 0.005%). This variant has not been reported in the literature in individuals affected with FPR1-related conditions. ClinVar contains an entry for this variant (Variation ID: 1026436). An algorithm developed to predict the effect of missense changes on protein structure and function outputs the following: PolyPhen-2: "Benign". The threonine amino acid residue is found in multiple mammalian species, which suggests that this missense change does not adversely affect protein function. In summary, the available evidence is currently insufficient to determine the role of this variant in disease. Therefore, it has been classified as a Variant of Uncertain Significance.

Ambry Genetics
Classification: Uncertain significance. Last evaluated: 2025-03-07. Review status: criteria provided, single submitter. Criteria: Ambry Variant Classification Scheme 2023. Collection method: clinical testing. Allele origin: germline.

NM_002029.4(FPR1):c.824T>C (p.Met275Thr)

Gene: FPR1 (formyl peptide receptor 1; minus strand). Cytogenetic location: 19q13.41.
Variant type: single nucleotide variant.
Coding change: c.824T>C on transcript NM_002029.4 (MANE Select); coding-DNA position 824, T replaced by C.
Protein change: p.Met275Thr; replaces methionine 275 with threonine.
Molecular consequence: missense variant.
Genome position (GRCh38, 1-based): chr19:51,746,171, A>G on the plus strand (T>C on the coding strand, the complement: FPR1 is on the minus strand). VCF-style: chr19-51746171-A-G. GRCh37 (hg19) VCF-style: chr19-52249424-A-G.
Other names: c.824T>C (NM_002029.3); c.824T>C, p.Met275Thr (NM_001193306.2); short protein forms M275T.
Identifiers: ClinVar variation 1026436 (VCV001026436.11), dbSNP rs746593681, ClinGen allele CA9616381.